The following is an entry in ClinVar:

NM_152558.5(IQCE):c.2019C>T (p.Asp673=)

Gene: IQCE (IQ motif containing E; plus strand). Cytogenetic location: 7p22.3.
Variant type: single nucleotide variant.
Coding change: c.2019C>T on transcript NM_152558.5 (MANE Select); coding-DNA position 2019, C replaced by T.
Protein change: p.Asp673=; no amino-acid change (aspartic acid 673 retained).
Molecular consequence: synonymous variant.
Genome position (GRCh38, 1-based): chr7:2,610,093, C>T. VCF-style: chr7-2610093-C-T. GRCh37 (hg19) VCF-style: chr7-2649727-C-T.
Other names: c.1824C>T, p.Asp608= (NM_001287501.2); c.1971C>T, p.Asp657= (NM_001410865.1).
Identifiers: ClinVar variation 4872094 (VCV004872094.2).

ClinVar aggregate classification (germline): Likely benign (1 of 4 stars; one submission).

gnomAD v4.1: 595 of 1,613,114 alleles (0.037%); highest among the groups gnomAD compares: Non-Finnish European, 0.048%; 1 homozygote.

Submission:

CeGaT Center for Human Genetics Tuebingen
Classification: Likely benign. Last evaluated: 2026-06-01. Review status: criteria provided, single submitter. Criteria: CeGaT Center For Human Genetics Tuebingen Variant Classification Criteria Version 2. Collection method: clinical testing. Allele origin: germline. Affected: yes. Observed: 1 variant allele.
Comment: IQCE: BP4, BP7